The following is an entry in ClinVar:

NM_001371333.1(DIABLO):c.-9C>G

Genes: DIABLO (diablo IAP-binding mitochondrial protein; minus strand), LOC130009040 (ATAC-STARR-seq lymphoblastoid active region 7211; plus strand). Cytogenetic location: 12q24.31.
Variant type: single nucleotide variant.
Coding change: c.-9C>G on transcript NM_001371333.1 (MANE Select); 9 bases upstream of the start codon, C replaced by G.
Molecular consequence: 5 prime UTR variant.
Genome position (GRCh38, 1-based): chr12:122,226,023, G>C on the plus strand (C>G on the coding strand, the complement: DIABLO is on the minus strand). VCF-style: chr12-122226023-G-C. GRCh37 (hg19) VCF-style: chr12-122710570-G-C.
Other names: c.-139C>G (NM_001278302.1, NM_138930.3); c.-95C>G (NM_001278303.1); c.-9C>G (NM_001278342.1, NM_019887.6, NM_019887.5).
Identifiers: ClinVar variation 666819 (VCV000666819.5), dbSNP rs755788729, ClinGen allele CA6844122.

ClinVar aggregate classification (germline): Conflicting classifications of pathogenicity. Review status: criteria provided, conflicting classifications (1 of 4 stars). 2 submissions from 2 submitters: Uncertain significance (1); Likely benign (1). Last evaluated 2026-08-28.

Conditions:
DIABLO-related disorder. Also called: DIABLO-related condition.

Allele frequency attached by ClinVar (database versions not stated): TOPMed 0.00008.
gnomAD v4.1: 152 of 1,601,932 alleles (0.0095%); highest among the groups gnomAD compares: Middle Eastern, 0.018%; no homozygotes.

Submissions (2):

PreventionGenetics, part of Exact Sciences
Classification: Likely benign for DIABLO-related condition. Last evaluated: 2026-08-28. Review status: criteria provided, single submitter. Criteria: ACMG Guidelines, 2015. Collection method: clinical testing. Allele origin: germline.
Comment: This variant is classified as likely benign based on ACMG/AMP sequence variant interpretation guidelines (Richards et al. 2015 PMID: 25741868, with internal and published modifications).

Laboratory for Molecular Medicine, Mass General Brigham Personalized Medicine
Classification: Uncertain significance. Last evaluated: 2018-03-21. Review status: criteria provided, single submitter. Criteria: LMM Criteria. Collection method: clinical testing. Allele origin: germline. Observed: 1 variant allele.
Comment: The c.-9C>G variant in DIABLO has not been previously reported in individuals wi th hearing loss, but it has been identified in 12/98472 European chromosomes by the Genome Aggregation Database (gnomAD; dbSNP rs755788729). This variant is located in the 5'UTR, but is not part of the cons ensus sites for the Kozak sequence and the nucleotide position is not conserved through species. In summary the clinical significance of this variant is uncerta in. ACMG/AMP criteria applied: BP4.